The following is an entry in ClinVar:

NM_000321.3(RB1):c.1515dup (p.Leu506fs)

Gene: RB1 (RB transcriptional corepressor 1; plus strand). Cytogenetic location: 13q14.2.
Variant type: Duplication.
Coding change: c.1515dup on transcript NM_000321.3 (MANE Select); coding-DNA position 1515, one base duplicated (T; older notation c.1515dupT).
Protein change: p.Leu506fs; shifts the reading frame from leucine 506.
Molecular consequence: frameshift variant.
Genome position (GRCh38, 1-based): chr13:48,381,263, T duplicated. VCF-style (leftmost placement, unchanged base first): chr13-48381262-A-AT. GRCh37 (hg19) VCF-style: chr13-48955398-A-AT.
Other names: c.1515dup, p.Leu506fs (NM_001407165.1, NM_001407166.1); short protein forms L506fs.
Identifiers: ClinVar variation 4759385 (VCV004759385.1).

ClinVar aggregate classification (germline): Pathogenic (1 of 4 stars; one submission).

Conditions:
Hereditary retinoblastoma. Identifiers: Orphanet 357027, MedGen C0751483, MONDO:0018160.

Submission:

Ramesar Group, Division of Human Genetics, Institute of Infectious Diseases and Molecular Medicine, UCT/MRC Genomic and Precision Medicine Research Unit, University of Cape Town
Classification: Pathogenic for Hereditary retinoblastoma. Last evaluated: 2025-09-17. Review status: criteria provided, single submitter. Criteria: ACMG Guidelines, 2015. Collection method: research. Allele origin: germline. Affected: yes. Observed: 1 variant allele.